The following is an entry in ClinVar:

ClinVar aggregate classification (germline): Uncertain significance (1 of 4 stars; one submission).

Conditions:
Ovarian dysgenesis 8. Identifiers: MedGen C4748626, MONDO:0032590, OMIM 618187.

gnomAD v4.1: 11 of 1,614,204 alleles (0.00068%); highest among the groups gnomAD compares: South Asian, 0.0044%; no homozygotes.

Submission:

Juno Genomics, Hangzhou Juno Genomics, Inc
Classification: Uncertain significance for Ovarian dysgenesis 8. Review status: criteria provided, single submitter. Criteria: ACMG Guidelines, 2015. Collection method: clinical testing. Allele origin: germline.
Comment: Absent from controls (or at extremely low frequency if recessive) in Genome Aggregation Database.;Multiple lines of computational evidence support a deleterious effect on the gene or gene product.

NM_001437.3(ESR2):c.1360C>T (p.Arg454Cys)

Gene: ESR2 (estrogen receptor 2; minus strand). Cytogenetic location: 14q23.2.
Variant type: single nucleotide variant.
Coding change: c.1360C>T on transcript NM_001437.3 (MANE Select); coding-DNA position 1360, C replaced by T.
Protein change: p.Arg454Cys; replaces arginine 454 with cysteine.
Molecular consequence: missense variant. On other transcripts: non-coding transcript variant (2).
Genome position (GRCh38, 1-based): chr14:64,235,016, G>A on the plus strand (C>T on the coding strand, the complement: ESR2 is on the minus strand). VCF-style: chr14-64235016-G-A. GRCh37 (hg19) VCF-style: chr14-64701734-G-A.
Other names: c.1360C>T, p.Arg454Cys (NM_001040275.1, NM_001214902.1, NM_001271876.1 and 2 more transcripts); c.1087C>T, p.Arg363Cys (NM_001271877.1); short protein forms R454C, R363C.
Identifiers: ClinVar variation 5005337 (VCV005005337.2).